The following is an entry in ClinVar:

ClinVar aggregate classification (germline): Likely benign. Review status: criteria provided, single submitter (1 of 4 stars). 2 submissions from 2 submitters: Likely benign (1). 1 of the submissions does not count toward it. Last evaluated 2026-01-01.

Conditions:
ZNF462-related disorder. Also called: ZNF462-related condition; ZNF462 related disease.

Allele frequency attached by ClinVar (database versions not stated): gnomAD 0.00004; TOPMed 0.00009; gnomAD exomes 0.00011; ExAC 0.00019.
gnomAD v4.1: 74 of 1,614,126 alleles (0.0046%); highest among the groups gnomAD compares: Admixed American, 0.12%; no homozygotes.

Submissions (2):

CeGaT Center for Human Genetics Tuebingen
Classification: Likely benign. Last evaluated: 2026-01-01. Review status: criteria provided, single submitter. Criteria: CeGaT Center For Human Genetics Tuebingen Variant Classification Criteria Version 2. Collection method: clinical testing. Allele origin: germline. Affected: yes. Observed: 1 variant allele.
Comment: ZNF462: BP4, BS1

PreventionGenetics, part of Exact Sciences
Classification: Likely benign for ZNF462-related condition. Last evaluated: 2023-01-18. Review status: no assertion criteria provided. Collection method: clinical testing. Allele origin: germline. Not counted in ClinVar's aggregate classification.
Comment: This variant is classified as likely benign based on ACMG/AMP sequence variant interpretation guidelines (Richards et al. 2015 PMID: 25741868, with internal and published modifications).

NM_021224.6(ZNF462):c.118A>G (p.Asn40Asp)

Gene: ZNF462 (zinc finger protein 462; plus strand). Cytogenetic location: 9q31.2.
Variant type: single nucleotide variant.
Coding change: c.118A>G on transcript NM_021224.6 (MANE Select); coding-DNA position 118, A replaced by G.
Protein change: p.Asn40Asp; replaces asparagine 40 with aspartic acid.
Molecular consequence: missense variant.
Genome position (GRCh38, 1-based): chr9:106,923,501, A>G. VCF-style: chr9-106923501-A-G. GRCh37 (hg19) VCF-style: chr9-109685782-A-G.
Other names: c.118A>G, p.Asn40Asp (NM_001347997.2); short protein forms N40D.
Identifiers: ClinVar variation 3056993 (VCV003056993.6), dbSNP rs747677472, ClinGen allele CA5171082.
Genomic context (GRCh38, chr9:106,923,501, plus strand): 5'-AAGGCACACATTCAGGATGTCCACACGGCATTTCTGCAGCCAACTGATGTTGCTGAGGAC[A>G]ATGTGAATGAGCTACGATGTGGGTCCGTGAATGCCAGTAATCAGACAGAGGTGGAGTTTT-3'
Protein context (NP_067047.4, residues 30-50): FLQPTDVAED[Asn40Asp]VNELRCGSVN